The following is an entry in ClinVar:

NM_016156.6(MTMR2):c.1610C>T (p.Thr537Ile)

Gene: MTMR2 (myotubularin related protein 2; minus strand). Cytogenetic location: 11q21.
Variant type: single nucleotide variant.
Coding change: c.1610C>T on transcript NM_016156.6 (MANE Select); coding-DNA position 1610, C replaced by T.
Protein change: p.Thr537Ile; replaces threonine 537 with isoleucine.
Molecular consequence: missense variant.
Genome position (GRCh38, 1-based): chr11:95,836,308, G>A on the plus strand (C>T on the coding strand, the complement: MTMR2 is on the minus strand). VCF-style: chr11-95836308-G-A. GRCh37 (hg19) VCF-style: chr11-95569472-G-A.
Other names: c.1394C>T, p.Thr465Ile (NM_001243571.2, NM_201278.3, NM_201281.3); short protein forms T465I, T537I.
Identifiers: ClinVar variation 2581709 (VCV002581709.1), dbSNP rs2496399249, ClinGen allele CA382415055.

ClinVar aggregate classification (germline): Uncertain significance (1 of 4 stars; one submission).

Submission:

Women's Health and Genetics/Laboratory Corporation of America, LabCorp
Classification: Uncertain significance. Last evaluated: 2023-08-15. Review status: criteria provided, single submitter. Criteria: LabCorp Variant Classification Summary - May 2015. Collection method: clinical testing. Allele origin: germline.
Comment: Variant summary: MTMR2 c.1610C>T (p.Thr537Ile) results in a non-conservative amino acid change located in the Myotubularin-like, phosphatase domain (IPR010569) of the encoded protein sequence. Five of five in-silico tools predict a damaging effect of the variant on protein function. The variant was absent in 250578 control chromosomes (gnomAD). c.1610C>T has been reported in the literature in individuals affected with Charcot-Marie-Tooth disease type 4B1 (example: Guimaraes-Costa_2020). These data indicate that the variant may be associated with disease. To our knowledge, no experimental evidence demonstrating an impact on protein function has been reported. The following publications have been ascertained in the context of this evaluation (PMID: 32586600, 31070812). No submitters have cited clinical-significance assessments for this variant to ClinVar after 2014. Based on the evidence outlined above, the variant was classified as VUS-possibly pathogenic.

Literature cited by the submitters: PubMed 32586600; PubMed 31070812.